The following is an entry in ClinVar:

ClinVar aggregate classification (germline): Uncertain significance. Review status: criteria provided, multiple submitters, no conflicts (2 of 4 stars). 4 submissions from 4 submitters: Uncertain significance (4). Last evaluated 2023-10-30.

Conditions:
Hereditary nonpolyposis colorectal neoplasms. Identifiers: MedGen C0009405, MeSH D003123.
Hereditary cancer-predisposing syndrome. Also called: Neoplastic Syndromes, Hereditary; Tumor predisposition; Hereditary neoplastic syndrome; Hereditary Cancer Syndrome. Identifiers: Orphanet 140162, MedGen C0027672, MeSH D009386, MONDO:0015356.

Submissions (4):

Color Diagnostics, LLC DBA Color Health
Classification: Uncertain significance for Hereditary cancer-predisposing syndrome. Last evaluated: 2023-10-30. Review status: criteria provided, single submitter. Criteria: ACMG Guidelines, 2015. Collection method: clinical testing. Allele origin: germline.
Comment: This missense variant replaces glutamine with arginine at codon 1146 of the MSH6 protein. Computational prediction suggests that this variant may have deleterious impact on protein structure and function (internally defined REVEL score threshold >= 0.7, PMID: 27666373). To our knowledge, functional studies have not been reported for this variant. This variant has not been reported in individuals affected with MSH6-related disorders in the literature. This variant has not been identified in the general population by the Genome Aggregation Database (gnomAD). The available evidence is insufficient to determine the role of this variant in disease conclusively. Therefore, this variant is classified as a Variant of Uncertain Significance.

Ambry Genetics
Classification: Uncertain significance for Hereditary cancer-predisposing syndrome. Last evaluated: 2023-01-03. Review status: criteria provided, single submitter. Criteria: Ambry Variant Classification Scheme 2023. Collection method: clinical testing. Allele origin: germline.
Comment: The p.Q1146R variant (also known as c.3437A>G), located in coding exon 5 of the MSH6 gene, results from an A to G substitution at nucleotide position 3437. The glutamine at codon 1146 is replaced by arginine, an amino acid with highly similar properties. This amino acid position is highly conserved in available vertebrate species. In addition, this alteration is predicted to be deleterious by in silico analysis. Since supporting evidence is limited at this time, the clinical significance of this alteration remains unclear.

GeneDx
Classification: Uncertain significance. Last evaluated: 2022-12-25. Review status: criteria provided, single submitter. Criteria: GeneDx Variant Classification Process June 2021. Collection method: clinical testing. Allele origin: germline. Affected: yes.
Comment: Not observed at significant frequency in large population cohorts (gnomAD); In silico analysis supports that this missense variant has a deleterious effect on protein structure/function; Has not been previously published as pathogenic or benign to our knowledge; This variant is associated with the following publications: (PMID: 17531815, 21120944, 12019211)

Labcorp Genetics (formerly Invitae), Labcorp
Classification: Uncertain significance for Hereditary nonpolyposis colorectal neoplasms. Last evaluated: 2022-06-03. Review status: criteria provided, single submitter. Criteria: Invitae Variant Classification Sherloc (09022015). Collection method: clinical testing. Allele origin: germline.
Comment: In summary, the available evidence is currently insufficient to determine the role of this variant in disease. Therefore, it has been classified as a Variant of Uncertain Significance. Algorithms developed to predict the effect of sequence changes on RNA splicing suggest that this variant may disrupt the consensus splice site. Algorithms developed to predict the effect of missense changes on protein structure and function (SIFT, PolyPhen-2, Align-GVGD) all suggest that this variant is likely to be disruptive. ClinVar contains an entry for this variant (Variation ID: 1387712). This variant has not been reported in the literature in individuals affected with MSH6-related conditions. This variant is not present in population databases (gnomAD no frequency). This sequence change replaces glutamine, which is neutral and polar, with arginine, which is basic and polar, at codon 1146 of the MSH6 protein (p.Gln1146Arg).

NM_000179.3(MSH6):c.3437A>G (p.Gln1146Arg)

Gene: MSH6 (mutS homolog 6; plus strand). Cytogenetic location: 2p16.3.
Variant type: single nucleotide variant.
Coding change: c.3437A>G on transcript NM_000179.3 (MANE Select); coding-DNA position 3437, A replaced by G.
Protein change: p.Gln1146Arg; replaces glutamine 1146 with arginine.
Molecular consequence: missense variant.
Genome position (GRCh38, 1-based): chr2:47,803,684, A>G. VCF-style: chr2-47803684-A-G. GRCh37 (hg19) VCF-style: chr2-48030823-A-G.
Other names: c.3437A>G (NM_000179.2); c.3047A>G, p.Gln1016Arg (NM_001281492.2); c.2531A>G, p.Gln844Arg (NM_001281493.2, NM_001281494.2); short protein forms Q1146R, Q1016R, Q844R.
Identifiers: ClinVar variation 1387712 (VCV001387712.13), dbSNP rs587779262, ClinGen allele CA346758971.